The following is an entry in ClinVar:

NM_021072.4(HCN1):c.343G>T (p.Gly115Trp)

Gene: HCN1 (hyperpolarization activated cyclic nucleotide gated potassium channel 1; minus strand). Cytogenetic location: 5p12.
Variant type: single nucleotide variant.
Coding change: c.343G>T on transcript NM_021072.4 (MANE Select); coding-DNA position 343, G replaced by T.
Protein change: p.Gly115Trp; replaces glycine 115 with tryptophan.
Molecular consequence: missense variant.
Genome position (GRCh38, 1-based): chr5:45,695,751, C>A on the plus strand (G>T on the coding strand, the complement: HCN1 is on the minus strand). VCF-style: chr5-45695751-C-A. GRCh37 (hg19) VCF-style: chr5-45695853-C-A.
Other names: short protein forms G115W.
Identifiers: ClinVar variation 1308971 (VCV001308971.2), dbSNP rs2112108860, ClinGen allele CA359706228.

ClinVar aggregate classification (germline): Uncertain significance (1 of 4 stars; one submission).

Submission:

GeneDx
Classification: Uncertain significance. Last evaluated: 2019-10-11. Review status: criteria provided, single submitter. Criteria: GeneDx Variant Classification Process June 2021. Collection method: clinical testing. Allele origin: germline. Affected: yes.
Comment: Not observed in large population cohorts (Lek et al., 2016); In silico analysis, which includes protein predictors and evolutionary conservation, supports a deleterious effect; Has not been previously published as pathogenic or benign to our knowledge